The following is an entry in ClinVar:

ClinVar aggregate classification (germline): Conflicting classifications of pathogenicity. Review status: criteria provided, conflicting classifications (1 of 4 stars). 2 submissions from 2 submitters: Uncertain significance (1); Likely benign (1). Last evaluated 2025-04-15.

Allele frequency attached by ClinVar (database versions not stated): gnomAD exomes 0.00012; 1000 Genomes Project 0.00080; 1000 Genomes Project 30x 0.00094; TOPMed 0.00003; ExAC 0.00028; gnomAD 0.00008.
gnomAD v4.1: 194 of 1,613,744 alleles (0.012%); highest among the groups gnomAD compares: South Asian, 0.19%; no homozygotes.

Submissions (2):

Mayo Clinic Laboratories, Mayo Clinic
Classification: Likely benign. Last evaluated: 2025-04-15. Review status: criteria provided, single submitter. Criteria: ACMG Guidelines, 2015. Collection method: clinical testing. Allele origin: germline. Observed: 2 variant alleles.
Comment: BS1, BP4

Labcorp Genetics (formerly Invitae), Labcorp
Classification: Uncertain significance. Last evaluated: 2022-07-19. Review status: criteria provided, single submitter. Criteria: Invitae Variant Classification Sherloc (09022015). Collection method: clinical testing. Allele origin: germline.
Comment: This sequence change replaces methionine, which is neutral and non-polar, with valine, which is neutral and non-polar, at codon 584 of the HPS3 protein (p.Met584Val). This variant is present in population databases (rs574234110, gnomAD 0.2%). This variant has not been reported in the literature in individuals affected with HPS3-related conditions. Algorithms developed to predict the effect of missense changes on protein structure and function (SIFT, PolyPhen-2, Align-GVGD) all suggest that this variant is likely to be tolerated. In summary, the available evidence is currently insufficient to determine the role of this variant in disease. Therefore, it has been classified as a Variant of Uncertain Significance.

NM_032383.5(HPS3):c.1750A>G (p.Met584Val)

Gene: HPS3 (HPS3 biogenesis of lysosomal organelles complex 2 subunit 1; plus strand). Cytogenetic location: 3q24.
Variant type: single nucleotide variant.
Coding change: c.1750A>G on transcript NM_032383.5 (MANE Select); coding-DNA position 1750, A replaced by G.
Protein change: p.Met584Val; replaces methionine 584 with valine.
Molecular consequence: missense variant.
Genome position (GRCh38, 1-based): chr3:149,158,724, A>G. VCF-style: chr3-149158724-A-G. GRCh37 (hg19) VCF-style: chr3-148876511-A-G.
Other names: p.Met584Val; c.1255A>G, p.Met419Val (NM_001308258.2); short protein forms M419V, M584V.
Identifiers: ClinVar variation 2199213 (VCV002199213.2), dbSNP rs574234110, ClinGen allele CA2660170.